The following is an entry in ClinVar:

NM_000465.4(BARD1):c.32A>C (p.Gln11Pro)

Gene: BARD1 (BRCA1 associated RING domain 1; minus strand). Cytogenetic location: 2q35.
Variant type: single nucleotide variant.
Coding change: c.32A>C on transcript NM_000465.4 (MANE Select); coding-DNA position 32, A replaced by C.
Protein change: p.Gln11Pro; replaces glutamine 11 with proline.
Molecular consequence: missense variant. On other transcripts: non-coding transcript variant (3).
Genome position (GRCh38, 1-based): chr2:214,809,538, T>G on the plus strand (A>C on the coding strand, the complement: BARD1 is on the minus strand). VCF-style: chr2-214809538-T-G. GRCh37 (hg19) VCF-style: chr2-215674262-T-G.
Other names: c.32A>C, p.Gln11Pro (NM_001282543.2, NM_001282545.2, NM_001282548.2 and 1 more transcripts); short protein forms Q11P.
Identifiers: ClinVar variation 1045324 (VCV001045324.9), dbSNP rs1696474319, ClinGen allele CA350465372.

ClinVar aggregate classification (germline): Uncertain significance (1 of 4 stars; one submission).

Conditions:
Familial cancer of breast. Also called: Hereditary breast cancer; hereditary breast carcinoma; BREAST CANCER, FAMILIAL. Identifiers: Orphanet 227535, MedGen C0346153, MONDO:0016419, OMIM 114480. Disease mechanism: loss of function.

Submission:

Labcorp Genetics (formerly Invitae), Labcorp
Classification: Uncertain significance for Familial cancer of breast. Last evaluated: 2020-10-20. Review status: criteria provided, single submitter. Criteria: Invitae Variant Classification Sherloc (09022015). Collection method: clinical testing. Allele origin: germline.
Comment: In summary, the available evidence is currently insufficient to determine the role of this variant in disease. Therefore, it has been classified as a Variant of Uncertain Significance. Algorithms developed to predict the effect of missense changes on protein structure and function output the following: SIFT: "Tolerated"; PolyPhen-2: "Benign"; Align-GVGD: "Class C0". The proline amino acid residue is found in multiple mammalian species, suggesting that this missense change does not adversely affect protein function. These predictions have not been confirmed by published functional studies and their clinical significance is uncertain. This variant has not been reported in the literature in individuals with BARD1-related conditions. This variant is not present in population databases (ExAC no frequency). This sequence change replaces glutamine with proline at codon 11 of the BARD1 protein (p.Gln11Pro). The glutamine residue is weakly conserved and there is a moderate physicochemical difference between glutamine and proline.